The following is an entry in ClinVar:

NM_000528.4(MAN2B1):c.1837del (p.Arg613fs)

Gene: MAN2B1 (mannosidase alpha class 2B member 1; minus strand). Cytogenetic location: 19p13.13.
Variant type: Deletion.
Coding change: c.1837del on transcript NM_000528.4 (MANE Select); coding-DNA position 1837, one base deleted (C; older notation c.1837delC).
Protein change: p.Arg613fs; shifts the reading frame from arginine 613.
Molecular consequence: frameshift variant.
Genome position (GRCh38, 1-based): chr19:12,652,454, G deleted on the plus strand (C on the coding strand, the reverse complement: MAN2B1 is on the minus strand); the first of 2 consecutive G bases (chr19:12,652,454-12,652,455); deleting either gives the same sequence. VCF-style (leftmost placement, unchanged base first): chr19-12652453-CG-C. GRCh37 (hg19) VCF-style: chr19-12763267-CG-C.
Other names: c.1834del, p.Arg612fs (NM_001173498.2); short protein forms R612fs, R613fs.
Identifiers: ClinVar variation 4057459 (VCV004057459.2).

ClinVar aggregate classification (germline): Likely pathogenic (1 of 4 stars; one submission).

Conditions:
Deficiency of alpha-mannosidase (MANSA). Also called: Mannosidosis, alpha-, types I and II; LYSOSOMAL ALPHA-D-MANNOSIDASE DEFICIENCY; Alpha-Mannosidosis. Identifiers: Orphanet 61, MedGen C0024748, MONDO:0009561, OMIM 248500.

Submission:

Natera, Inc.
Classification: Likely pathogenic for Alpha-mannosidosis. Last evaluated: 2025-02-05. Review status: criteria provided, single submitter. Criteria: Natera Variant Classification Schema (03/2026). Collection method: clinical testing. Allele origin: germline.
Comment: The c.1837del variant in MAN2B1 is a frameshift variant predicted to shift the reading frame beginning at codon 613 and leads to a stop codon 11 codons downstream. This variant is expected to result in nonsense mediated decay, truncation, or a dysfunctional protein product. This variant is rare in the general population with a frequency below the threshold expected for the associated phenotype(s). Given the available evidence, this variant is classified as Likely Pathogenic.